The following is an entry in ClinVar:

ClinVar aggregate classification (germline): Uncertain significance (1 of 4 stars; one submission).

Submission:

Labcorp Genetics (formerly Invitae), Labcorp
Classification: Uncertain significance. Last evaluated: 2025-06-12. Review status: criteria provided, single submitter. Criteria: Invitae Variant Classification Sherloc (09022015). Collection method: clinical testing. Allele origin: germline.
Comment: This sequence change replaces methionine, which is neutral and non-polar, with isoleucine, which is neutral and non-polar, at codon 988 of the CACNA1E protein (p.Met988Ile). This variant is not present in population databases (gnomAD no frequency). This variant has not been reported in the literature in individuals affected with CACNA1E-related conditions. ClinVar contains an entry for this variant (Variation ID: 2873638). Invitae Evidence Modeling of protein sequence and biophysical properties (such as structural, functional, and spatial information, amino acid conservation, physicochemical variation, residue mobility, and thermodynamic stability) has been performed for this missense variant. However, the output from this modeling did not meet the statistical confidence thresholds required to predict the impact of this variant on CACNA1E protein function. In summary, the available evidence is currently insufficient to determine the role of this variant in disease. Therefore, it has been classified as a Variant of Uncertain Significance.

NM_001205293.3(CACNA1E):c.2964G>A (p.Met988Ile)

Gene: CACNA1E (calcium voltage-gated channel subunit alpha1 E; plus strand). Cytogenetic location: 1q25.3.
Variant type: single nucleotide variant.
Coding change: c.2964G>A on transcript NM_001205293.3 (MANE Select); coding-DNA position 2964, G replaced by A.
Protein change: p.Met988Ile; replaces methionine 988 with isoleucine.
Molecular consequence: missense variant.
Genome position (GRCh38, 1-based): chr1:181,733,452, G>A. VCF-style: chr1-181733452-G-A. GRCh37 (hg19) VCF-style: chr1-181702588-G-A.
Other names: c.2964G>A, p.Met988Ile (NM_000721.4); c.2907G>A, p.Met969Ile (NM_001205294.2); short protein forms M969I, M988I.
Identifiers: ClinVar variation 2873638 (VCV002873638.3), dbSNP rs2528709548, ClinGen allele CA343620416.
Genomic context (GRCh38, chr1:181,733,452, plus strand): 5'-GGGACAGCGTCTGAGCACCAGCTCTCTCTTCCTCTCTCTTCACAGGACCAACAGTCTGAT[G>A]GTGTCCAGAGGCTCCGGGCTGGCAGGAGGCCTTGATGAGGCTGACACCCCCCTAGTCCTG-3'
Protein context (NP_001192222.1, residues 978-998): AQDLRRTNSL[Met988Ile]VSRGSGLAGG